The following is an entry in ClinVar:

ClinVar aggregate classification (germline): Uncertain significance (1 of 4 stars; one submission).

Conditions:
SLC35A2-congenital disorder of glycosylation. Also called: CONGENITAL DISORDER OF GLYCOSYLATION, TYPE IIm; CDG IIm; CONGENITAL DISORDER OF GLYCOSYLATION, TYPE IIm, SOMATIC MOSAIC; DEVELOPMENTAL AND EPILEPTIC ENCEPHALOPATHY 22; EPILEPTIC ENCEPHALOPATHY, EARLY INFANTILE, 22; SLC35A2-CDG. Identifiers: Orphanet 356961, MedGen C3806688, MONDO:0010478, OMIM 300896.

Submission:

Labcorp Genetics (formerly Invitae), Labcorp
Classification: Uncertain significance for SLC35A2-congenital disorder of glycosylation. Last evaluated: 2023-08-21. Review status: criteria provided, single submitter. Criteria: Invitae Variant Classification Sherloc (09022015). Collection method: clinical testing. Allele origin: germline.
Comment: This sequence change replaces alanine, which is neutral and non-polar, with glutamic acid, which is acidic and polar, at codon 3 of the SLC35A2 protein (p.Ala3Glu). This variant is not present in population databases (gnomAD no frequency). This variant has not been reported in the literature in individuals affected with SLC35A2-related conditions. Advanced modeling of protein sequence and biophysical properties (such as structural, functional, and spatial information, amino acid conservation, physicochemical variation, residue mobility, and thermodynamic stability) has been performed at Invitae for this missense variant, however the output from this modeling did not meet the statistical confidence thresholds required to predict the impact of this variant on SLC35A2 protein function. Algorithms developed to predict the effect of sequence changes on RNA splicing suggest that this variant may create or strengthen a splice site. In summary, the available evidence is currently insufficient to determine the role of this variant in disease. Therefore, it has been classified as a Variant of Uncertain Significance.

NM_005660.3(SLC35A2):c.8C>A (p.Ala3Glu)

Gene: SLC35A2 (solute carrier family 35 member A2; minus strand). Cytogenetic location: Xp11.23.
Variant type: single nucleotide variant.
Coding change: c.8C>A on transcript NM_005660.3 (MANE Select); coding-DNA position 8, C replaced by A.
Protein change: p.Ala3Glu; replaces alanine 3 with glutamic acid.
Molecular consequence: missense variant. On other transcripts: intron variant (1).
Genome position (GRCh38, 1-based): chrX:48,911,629, G>T on the plus strand (C>A on the coding strand, the complement: SLC35A2 is on the minus strand). VCF-style: chrX-48911629-G-T. GRCh37 (hg19) VCF-style: chrX-48768906-G-T.
Other names: c.8C>A, p.Ala3Glu (NM_001032289.3, NM_001042498.3, NM_001282647.2 and 3 more transcripts); c.19+230C>A (NM_001282648.2); short protein forms A3E.
Identifiers: ClinVar variation 2752870 (VCV002752870.3), dbSNP rs946472167, ClinGen allele CA412898987.